The following is an entry in ClinVar:

ClinVar aggregate classification (germline): Benign/Likely benign. Review status: criteria provided, multiple submitters, no conflicts (2 of 4 stars). 2 submissions from 2 submitters: Benign (1); Likely benign (1). Last evaluated 2026-07-02.

Conditions:
Sessile serrated polyposis cancer syndrome (SSPCS). Identifiers: Orphanet 157798, MedGen C4310714, MONDO:0014919, OMIM 617108.

gnomAD v4.1: 1 of 1,614,048 alleles (0.000062%); highest among the groups gnomAD compares: Non-Finnish European, 0.000085%; no homozygotes.

Submissions (2):

Myriad Genetics, Inc.
Classification: Benign for Sessile serrated polyposis cancer syndrome. Last evaluated: 2026-07-02. Review status: criteria provided, single submitter. Criteria: Myriad Autosomal Dominant, Autosomal Recessive and X-Linked Classification Criteria (2023). Collection method: clinical testing. Allele origin: unknown.
Comment: This variant is considered benign. This variant is a silent/synonymous amino acid change and it is not expected to impact splicing.

Ambry Genetics
Classification: Likely benign. Last evaluated: 2025-02-23. Review status: criteria provided, single submitter. Criteria: Ambry Variant Classification Scheme 2023. Collection method: clinical testing. Allele origin: germline.

NM_017763.6(RNF43):c.1518C>T (p.Asp506=)

Gene: RNF43 (ring finger protein 43; minus strand). Cytogenetic location: 17q22.
Variant type: single nucleotide variant.
Coding change: c.1518C>T on transcript NM_017763.6 (MANE Select); coding-DNA position 1518, C replaced by T.
Protein change: p.Asp506=; no amino-acid change (aspartic acid 506 retained).
Molecular consequence: synonymous variant.
Genome position (GRCh38, 1-based): chr17:58,358,258, G>A on the plus strand (C>T on the coding strand, the complement: RNF43 is on the minus strand). VCF-style: chr17-58358258-G-A. GRCh37 (hg19) VCF-style: chr17-56435619-G-A.
Other names: c.1518C>T, p.Asp506= (NM_001305544.3); c.1137C>T, p.Asp379= (NM_001305545.2).
Identifiers: ClinVar variation 3789956 (VCV003789956.2).